The following is an entry in ClinVar:

NM_020458.4(TTC7A):c.208G>A (p.Ala70Thr)

Gene: TTC7A (tetratricopeptide repeat domain 7A; plus strand). Cytogenetic location: 2p21.
Variant type: single nucleotide variant.
Coding change: c.208G>A on transcript NM_020458.4 (MANE Select); coding-DNA position 208, G replaced by A.
Protein change: p.Ala70Thr; replaces alanine 70 with threonine.
Molecular consequence: missense variant. On other transcripts: 5 prime UTR variant (1).
Genome position (GRCh38, 1-based): chr2:46,950,386, G>A. VCF-style: chr2-46950386-G-A. GRCh37 (hg19) VCF-style: chr2-47177525-G-A.
Other names: c.208G>A, p.Ala70Thr (NM_001288951.2); c.106G>A, p.Ala36Thr (NM_001288953.2); c.-697G>A (NM_001288955.2); c.208G>A (NM_020458.2); short protein forms A70T, A36T.
Identifiers: ClinVar variation 846721 (VCV000846721.41), dbSNP rs367596523, ClinGen allele CA1647067.

ClinVar aggregate classification (germline): Uncertain significance. Review status: criteria provided, multiple submitters, no conflicts (2 of 4 stars). 3 submissions from 3 submitters: Uncertain significance (3). Last evaluated 2022-11-01.

Conditions:
Inborn genetic diseases. Identifiers: MedGen C0950123, MeSH D030342.
Multiple gastrointestinal atresias. Also called: Multiple intestinal atresia; FAMILIAL INTESTINAL POLYATRESIA SYNDROME. Identifiers: Orphanet 2300, MedGen C0220744, MONDO:0009465.

Allele frequency attached by ClinVar (database versions not stated): gnomAD 0.00003 and 0.00004; gnomAD exomes 0.00003 and 0.00010; TOPMed 0.00005; ExAC 0.00007; ESP Exome Variant Server 0.00008.
gnomAD v4.1: 63 of 1,613,998 alleles (0.0039%); highest among the groups gnomAD compares: Admixed American, 0.0083%; no homozygotes.

Submissions (3):

Labcorp Genetics (formerly Invitae), Labcorp
Classification: Uncertain significance for Multiple gastrointestinal atresias. Last evaluated: 2022-11-01. Review status: criteria provided, single submitter. Criteria: Invitae Variant Classification Sherloc (09022015). Collection method: clinical testing. Allele origin: germline.
Comment: This sequence change replaces alanine, which is neutral and non-polar, with threonine, which is neutral and polar, at codon 70 of the TTC7A protein (p.Ala70Thr). This variant is present in population databases (rs367596523, gnomAD 0.08%). This variant has not been reported in the literature in individuals affected with TTC7A-related conditions. ClinVar contains an entry for this variant (Variation ID: 846721). Advanced modeling of protein sequence and biophysical properties (such as structural, functional, and spatial information, amino acid conservation, physicochemical variation, residue mobility, and thermodynamic stability) performed at Invitae indicates that this missense variant is expected to disrupt TTC7A protein function. In summary, the available evidence is currently insufficient to determine the role of this variant in disease. Therefore, it has been classified as a Variant of Uncertain Significance.

Ambry Genetics
Classification: Uncertain significance for Inborn genetic diseases. Last evaluated: 2021-10-21. Review status: criteria provided, single submitter. Criteria: Ambry Variant Classification Scheme 2023. Collection method: clinical testing. Allele origin: germline.

CeGaT Center for Human Genetics Tuebingen
Classification: Uncertain significance. Last evaluated: 2021-06-01. Review status: criteria provided, single submitter. Criteria: CeGaT Center For Human Genetics Tuebingen Variant Classification Criteria Version 2. Collection method: clinical testing. Allele origin: germline. Affected: yes. Observed: 1 variant allele.